The following is an entry in ClinVar:

NM_181882.3(PRX):c.1345G>A (p.Glu449Lys)

Gene: PRX (periaxin; minus strand). Cytogenetic location: 19q13.2.
Variant type: single nucleotide variant.
Coding change: c.1345G>A on transcript NM_181882.3 (MANE Select); coding-DNA position 1345, G replaced by A.
Protein change: p.Glu449Lys; replaces glutamic acid 449 with lysine.
Molecular consequence: missense variant. On other transcripts: 3 prime UTR variant (1).
Genome position (GRCh38, 1-based): chr19:40,397,007, C>T on the plus strand (G>A on the coding strand, the complement: PRX is on the minus strand). VCF-style: chr19-40397007-C-T. GRCh37 (hg19) VCF-style: chr19-40902914-C-T.
Other names: c.*1550G>A (NM_020956.2); short protein forms E449K.
Identifiers: ClinVar variation 1386897 (VCV001386897.6), dbSNP rs2145730978, ClinGen allele CA405898586.

ClinVar aggregate classification (germline): Uncertain significance (1 of 4 stars; one submission).

Conditions:
Charcot-Marie-Tooth disease type 4. Also called: Charcot-Marie-Tooth, Type 4; Charcot-Marie-Tooth disease, type IV. Identifiers: Orphanet 64749, MedGen C4082197, MONDO:0018995.

Allele frequency attached by ClinVar (database versions not stated): gnomAD exomes below 0.00001.
gnomAD v4.1: 1 of 1,614,166 alleles (0.000062%); no homozygotes.

Submission:

Labcorp Genetics (formerly Invitae), Labcorp
Classification: Uncertain significance for Charcot-Marie-Tooth disease type 4. Last evaluated: 2022-07-06. Review status: criteria provided, single submitter. Criteria: Invitae Variant Classification Sherloc (09022015). Collection method: clinical testing. Allele origin: germline.
Comment: In summary, the available evidence is currently insufficient to determine the role of this variant in disease. Therefore, it has been classified as a Variant of Uncertain Significance. Algorithms developed to predict the effect of missense changes on protein structure and function are either unavailable or do not agree on the potential impact of this missense change (SIFT: "Tolerated"; PolyPhen-2: "Possibly Damaging"; Align-GVGD: "Class C15"). ClinVar contains an entry for this variant (Variation ID: 1386897). This variant has not been reported in the literature in individuals affected with PRX-related conditions. This variant is not present in population databases (gnomAD no frequency). This sequence change replaces glutamic acid, which is acidic and polar, with lysine, which is basic and polar, at codon 449 of the PRX protein (p.Glu449Lys).